The following is an entry in ClinVar:

NM_000463.3(UGT1A1):c.996+1G>A

Genes: UGT1A (UDP glucuronosyltransferase family 1 member A complex locus; plus strand), UGT1A1 (UDP glucuronosyltransferase family 1 member A1; plus strand), UGT1A10 (UDP glucuronosyltransferase family 1 member A10; plus strand), UGT1A3 (UDP glucuronosyltransferase family 1 member A3; plus strand), UGT1A4 (UDP glucuronosyltransferase family 1 member A4; plus strand) and 5 more. Cytogenetic location: 2q37.1.
Variant type: single nucleotide variant.
Coding change: c.996+1G>A on transcript NM_000463.3 (MANE Select); the canonical splice donor site of the intron after coding-DNA position 996, G replaced by A.
Molecular consequence: splice donor variant.
Genome position (GRCh38, 1-based): chr2:233,767,166, G>A. VCF-style: chr2-233767166-G-A. GRCh37 (hg19) VCF-style: chr2-234675812-G-A.
Other names: c.987+1G>A (NM_019076.5, NM_019075.4, NM_021027.3 and 1 more transcripts); c.192+1G>A (NM_205862.3); c.993+1G>A (NM_001072.4); c.999+1G>A (NM_019078.2, NM_007120.3, NM_019093.4).
Identifiers: ClinVar variation 1330395 (VCV001330395.7), dbSNP rs2126030587, ClinGen allele CA351072494.

ClinVar aggregate classification (germline): Likely pathogenic (1 of 4 stars; one submission).

Submission:

ARUP Laboratories, Molecular Genetics and Genomics, ARUP Laboratories
Classification: Likely pathogenic. Last evaluated: 2020-10-12. Review status: criteria provided, single submitter. Criteria: ARUP Molecular Germline Variant Investigation Process 2021. Collection method: clinical testing. Allele origin: germline.
Comment: The UGT1A1 c.996+1G>A variant, to our knowledge, is not reported in the medical literature or gene specific databases. This variant is also absent from general population databases (Exome Variant Server, Genome Aggregation Database), indicating it is not a common polymorphism. This variant disrupts the canonical splice donor site of intron 2, which is likely to negatively impact gene function. Based on available information, this variant is considered to be likely pathogenic.